The following is an entry in ClinVar:

ClinVar aggregate classification (germline): Uncertain significance. Review status: criteria provided, multiple submitters, no conflicts (2 of 4 stars). 2 submissions from 2 submitters: Uncertain significance (2). Last evaluated 2025-08-07.

Conditions:
Inborn genetic diseases. Identifiers: MedGen C0950123, MeSH D030342.

gnomAD v4.1: 2 of 1,614,054 alleles (0.00012%); highest among the groups gnomAD compares: African/African-American, 0.0013%; no homozygotes.

Submissions (2):

Ambry Genetics
Classification: Uncertain significance for Inborn genetic diseases. Last evaluated: 2025-08-07. Review status: criteria provided, single submitter. Criteria: Ambry Variant Classification Scheme 2023. Collection method: clinical testing. Allele origin: germline.

ARUP Laboratories, Molecular Genetics and Genomics, ARUP Laboratories
Classification: Uncertain significance. Last evaluated: 2025-05-21. Review status: criteria provided, single submitter. Criteria: ARUP Molecular Germline Variant Investigation Process 2024. Collection method: clinical testing. Allele origin: germline.
Comment: The VWF c.1151G>A; p.Cys384Tyr variant (rs775101417), to our knowledge, is not reported in the medical literature or gene specific databases. This variant is only observed on one allele in the Genome Aggregation Database (v2.1.1), indicating it is not a common polymorphism. Computational analyses are uncertain whether this variant is neutral or deleterious (REVEL: 0.555). Due to limited information, the clinical significance of this variant is uncertain at this time.

NM_000552.5(VWF):c.1151G>A (p.Cys384Tyr)

Gene: VWF (von Willebrand factor; minus strand). Cytogenetic location: 12p13.31.
Variant type: single nucleotide variant.
Coding change: c.1151G>A on transcript NM_000552.5 (MANE Select); coding-DNA position 1151, G replaced by A.
Protein change: p.Cys384Tyr; replaces cysteine 384 with tyrosine.
Molecular consequence: missense variant.
Genome position (GRCh38, 1-based): chr12:6,071,302, C>T on the plus strand (G>A on the coding strand, the complement: VWF is on the minus strand). VCF-style: chr12-6071302-C-T. GRCh37 (hg19) VCF-style: chr12-6180468-C-T.
Other names: short protein forms C384Y.
Identifiers: ClinVar variation 4200030 (VCV004200030.2).
Genomic context (GRCh38, chr12:6,071,302, plus strand): 5'-GAGACGCCTCCCCGATTCAGGGAAGGAGGAAGAGAATGAGCGGCAGGTCGCCTACCTGGA[C>T]ATTCTTCATTGCTGCAGATCCACTGGCTGTTTCGGCAAATGCTGTTGGAGGGAAAAAGCA-3'
Protein context (NP_000543.3, residues 374-394): NSQWICSNEE[Cys384Tyr]PGECLVTGQS